The following is an entry in ClinVar:

ClinVar aggregate classification (germline): Uncertain significance (1 of 4 stars; one submission).

Conditions:
Multiple endocrine neoplasia, type 2 (MEN2). Identifiers: Orphanet 653, MedGen C4048306, MONDO:0019003. Disease mechanism: gain of function.

Submission:

Labcorp Genetics (formerly Invitae), Labcorp
Classification: Uncertain significance for Multiple endocrine neoplasia, type 2. Last evaluated: 2024-08-13. Review status: criteria provided, single submitter. Criteria: Invitae Variant Classification Sherloc (09022015). Collection method: clinical testing. Allele origin: germline.
Comment: This sequence change replaces proline, which is neutral and non-polar, with serine, which is neutral and polar, at codon 1088 of the RET protein (p.Pro1088Ser). This variant is not present in population databases (gnomAD no frequency). This variant has not been reported in the literature in individuals affected with RET-related conditions. An algorithm developed to predict the effect of missense changes on protein structure and function outputs the following: PolyPhen-2: "Benign". The serine amino acid residue is found in multiple mammalian species, which suggests that this missense change does not adversely affect protein function. In summary, the available evidence is currently insufficient to determine the role of this variant in disease. Therefore, it has been classified as a Variant of Uncertain Significance.

NM_020975.6(RET):c.3262C>T (p.Pro1088Ser)

Gene: RET (ret proto-oncogene; plus strand). Cytogenetic location: 10q11.21.
Variant type: single nucleotide variant.
Coding change: c.3262C>T on transcript NM_020975.6 (MANE Select); coding-DNA position 3262, C replaced by T.
Protein change: p.Pro1088Ser; replaces proline 1088 with serine.
Molecular consequence: missense variant. On other transcripts: 3 prime UTR variant (18), intron variant (3).
Genome position (GRCh38, 1-based): chr10:43,128,186, C>T. VCF-style: chr10-43128186-C-T. GRCh37 (hg19) VCF-style: chr10-43623634-C-T.
Other names: c.*1432C>T (NM_001355216.2, NM_001406774.1, NM_001406778.1 and 15 more transcripts); c.3262C>T, p.Pro1088Ser (NM_001406743.1); c.3202C>T, p.Pro1068Ser (NM_001406759.1, NM_001406760.1); c.3133C>T, p.Pro1045Ser (NM_001406761.1, NM_001406762.1); c.2536C>T, p.Pro846Ser (NM_001406775.1); c.2476C>T, p.Pro826Ser (NM_001406777.1); c.2365C>T, p.Pro789Ser (NM_001406779.1, NM_001406780.1); c.2236C>T, p.Pro746Ser (NM_001406783.1); and 10 more; short protein forms P789S, P956S, P1043S, P1068S, P1045S, P1088S, P605S, P693S.
Identifiers: ClinVar variation 3652847 (VCV003652847.2).